The following is an entry in ClinVar:

ClinVar aggregate classification (germline): Uncertain significance (1 of 4 stars; one submission).

Conditions:
Autosomal recessive limb-girdle muscular dystrophy type 2L (LGMDR12). Also called: Limb-girdle muscular dystrophy, type 2L; MUSCULAR DYSTROPHY, LIMB-GIRDLE, AUTOSOMAL RECESSIVE 12; Limb-Girdle Muscular Dystrophy R12 Anoctamin-5-Related (LGMD-R12). Identifiers: Orphanet 206549, MedGen C1969785, MONDO:0012652, OMIM 611307.
Gnathodiaphyseal dysplasia (GDD). Also called: GNATHODIAPHYSEAL SCLEROSIS; OSTEOGENESIS IMPERFECTA WITH UNUSUAL SKELETAL LESIONS. Identifiers: Orphanet 53697, MedGen C1833736, MONDO:0008151, OMIM 166260.

Submission:

Labcorp Genetics (formerly Invitae), Labcorp
Classification: Uncertain significance for Autosomal recessive limb-girdle muscular dystrophy type 2L; Gnathodiaphyseal dysplasia. Last evaluated: 2021-08-02. Review status: criteria provided, single submitter. Criteria: Invitae Variant Classification Sherloc (09022015). Collection method: clinical testing. Allele origin: germline.
Comment: This sequence change replaces isoleucine with threonine at codon 875 of the ANO5 protein (p.Ile875Thr). The isoleucine residue is moderately conserved and there is a moderate physicochemical difference between isoleucine and threonine. In summary, the available evidence is currently insufficient to determine the role of this variant in disease. Therefore, it has been classified as a Variant of Uncertain Significance. Algorithms developed to predict the effect of missense changes on protein structure and function are either unavailable or do not agree on the potential impact of this missense change (SIFT: "Deleterious"; PolyPhen-2: "Probably Damaging"; Align-GVGD: "Class C0"). This variant has not been reported in the literature in individuals affected with ANO5-related conditions. This variant is not present in population databases (ExAC no frequency).

NM_213599.3(ANO5):c.2624T>C (p.Ile875Thr)

Gene: ANO5 (anoctamin 5; plus strand). Cytogenetic location: 11p14.3.
Variant type: single nucleotide variant.
Coding change: c.2624T>C on transcript NM_213599.3 (MANE Select); coding-DNA position 2624, T replaced by C.
Protein change: p.Ile875Thr; replaces isoleucine 875 with threonine.
Molecular consequence: missense variant.
Genome position (GRCh38, 1-based): chr11:22,279,647, T>C. VCF-style: chr11-22279647-T-C. GRCh37 (hg19) VCF-style: chr11-22301193-T-C.
Other names: c.2621T>C, p.Ile874Thr (NM_001142649.2); short protein forms I875T, I874T.
Identifiers: ClinVar variation 1408654 (VCV001408654.6), dbSNP rs2133811100, ClinGen allele CA379925085.